The following is an entry in ClinVar:

ClinVar aggregate classification (germline): Uncertain significance. Review status: criteria provided, multiple submitters, no conflicts (2 of 4 stars). 2 submissions from 2 submitters: Uncertain significance (2). Last evaluated 2025-04-10.

Conditions:
Neutropenia, severe congenital, 2, autosomal dominant. Identifiers: Orphanet 486, MedGen C2751288, MONDO:0013139, OMIM 613107.

gnomAD v4.1: 1 of 1,613,780 alleles (0.000062%); highest among the groups gnomAD compares: Non-Finnish European, 0.000085%; no homozygotes.

Submissions (2):

Ambry Genetics
Classification: Uncertain significance. Last evaluated: 2025-04-10. Review status: criteria provided, single submitter. Criteria: Ambry Variant Classification Scheme 2023. Collection method: clinical testing. Allele origin: germline.
Comment: The p.P93R variant (also known as c.278C>G), located in coding exon 2 of the GFI1 gene, results from a C to G substitution at nucleotide position 278. The proline at codon 93 is replaced by arginine, an amino acid with dissimilar properties. This amino acid position is conserved. In addition, the in silico prediction for this alteration is inconclusive. Based on the available evidence, the clinical significance of this variant remains unclear.

Labcorp Genetics (formerly Invitae), Labcorp
Classification: Uncertain significance for Neutropenia, severe congenital, 2, autosomal dominant. Last evaluated: 2024-11-16. Review status: criteria provided, single submitter. Criteria: Invitae Variant Classification Sherloc (09022015). Collection method: clinical testing. Allele origin: germline.
Comment: This sequence change replaces proline, which is neutral and non-polar, with arginine, which is basic and polar, at codon 93 of the GFI1 protein (p.Pro93Arg). This variant is not present in population databases (gnomAD no frequency). This variant has not been reported in the literature in individuals affected with GFI1-related conditions. ClinVar contains an entry for this variant (Variation ID: 2725279). Invitae Evidence Modeling of protein sequence and biophysical properties (such as structural, functional, and spatial information, amino acid conservation, physicochemical variation, residue mobility, and thermodynamic stability) indicates that this missense variant is not expected to disrupt GFI1 protein function with a negative predictive value of 80%. In summary, the available evidence is currently insufficient to determine the role of this variant in disease. Therefore, it has been classified as a Variant of Uncertain Significance.

NM_005263.5(GFI1):c.278C>G (p.Pro93Arg)

Gene: GFI1 (growth factor independent 1 transcriptional repressor; minus strand). Cytogenetic location: 1p22.1.
Variant type: single nucleotide variant.
Coding change: c.278C>G on transcript NM_005263.5 (MANE Select); coding-DNA position 278, C replaced by G.
Protein change: p.Pro93Arg; replaces proline 93 with arginine.
Molecular consequence: missense variant.
Genome position (GRCh38, 1-based): chr1:92,482,884, G>C on the plus strand (C>G on the coding strand, the complement: GFI1 is on the minus strand). VCF-style: chr1-92482884-G-C. GRCh37 (hg19) VCF-style: chr1-92948441-G-C.
Other names: c.278C>G, p.Pro93Arg (NM_001127215.3, NM_001127216.3); short protein forms P93R.
Identifiers: ClinVar variation 2725279 (VCV002725279.4), dbSNP rs780103307, ClinGen allele CA341150314.